The following is an entry in ClinVar:

ClinVar aggregate classification (germline): Likely benign (1 of 4 stars; one submission).

gnomAD v4.1: 4,956 of 1,587,264 alleles (0.31%); highest among the groups gnomAD compares: Non-Finnish European, 0.32%; 19 homozygotes.

Submission:

CeGaT Center for Human Genetics Tuebingen
Classification: Likely benign. Last evaluated: 2026-08-01. Review status: criteria provided, single submitter. Criteria: CeGaT Center For Human Genetics Tuebingen Variant Classification Criteria Version 2. Collection method: clinical testing. Allele origin: germline. Affected: yes. Observed: 6 variant alleles.
Comment: CCDC183: BP4, BS2

NM_001039374.5(CCDC183):c.274G>C (p.Val92Leu)

Gene: CCDC183 (coiled-coil domain containing 183; plus strand). Cytogenetic location: 9q34.3.
Variant type: single nucleotide variant.
Coding change: c.274G>C on transcript NM_001039374.5 (MANE Select); coding-DNA position 274, G replaced by C.
Protein change: p.Val92Leu; replaces valine 92 with leucine.
Molecular consequence: missense variant.
Genome position (GRCh38, 1-based): chr9:136,800,005, G>C. VCF-style: chr9-136800005-G-C. GRCh37 (hg19) VCF-style: chr9-139694457-G-C.
Other names: short protein forms V92L.
Identifiers: ClinVar variation 4083776 (VCV004083776.8).